The following is an entry in ClinVar:

ClinVar aggregate classification (germline): Uncertain significance (1 of 4 stars; one submission).

Submission:

GeneDx
Classification: Uncertain significance. Last evaluated: 2023-02-13. Review status: criteria provided, single submitter. Criteria: GeneDx Variant Classification Process June 2021. Collection method: clinical testing. Allele origin: germline. Affected: yes.
Comment: Not observed at significant frequency in large population cohorts (gnomAD); In silico analysis supports that this missense variant has a deleterious effect on protein structure/function; Has not been previously published as pathogenic or benign to our knowledge

NM_006941.4(SOX10):c.457T>C (p.Phe153Leu)

Genes: POLR2F (RNA polymerase II, I and III subunit F; plus strand), SOX10 (SRY-box transcription factor 10; minus strand). Cytogenetic location: 22q13.1.
Variant type: single nucleotide variant.
Coding change: c.457T>C on transcript NM_006941.4 (MANE Select); coding-DNA position 457, T replaced by C.
Protein change: p.Phe153Leu; replaces phenylalanine 153 with leucine.
Molecular consequence: missense variant. On other transcripts: intron variant (3).
Genome position (GRCh38, 1-based): chr22:37,978,107, A>G on the plus strand (T>C on the coding strand, the complement: SOX10 is on the minus strand). VCF-style: chr22-37978107-A-G. GRCh37 (hg19) VCF-style: chr22-38374114-A-G.
Other names: c.*38+5797A>G (NM_001363825.1); c.294-8047A>G (NM_001301130.2); c.293+10937A>G (NM_001301131.2); short protein forms F153L.
Identifiers: ClinVar variation 2430605 (VCV002430605.1), dbSNP rs2145768609, ClinGen allele CA411498100.